The following is an entry in ClinVar:

NM_000051.4(ATM):c.4979A>T (p.Asn1660Ile)

Gene: ATM (ATM serine/threonine kinase; plus strand). Cytogenetic location: 11q22.3.
Variant type: single nucleotide variant.
Coding change: c.4979A>T on transcript NM_000051.4 (MANE Select); coding-DNA position 4979, A replaced by T.
Protein change: p.Asn1660Ile; replaces asparagine 1660 with isoleucine.
Molecular consequence: missense variant.
Genome position (GRCh38, 1-based): chr11:108,297,356, A>T. VCF-style: chr11-108297356-A-T. GRCh37 (hg19) VCF-style: chr11-108168083-A-T.
Other names: c.4979A>T, p.Asn1660Ile (NM_001351834.2); short protein forms N1660I.
Identifiers: ClinVar variation 849140 (VCV000849140.9), dbSNP rs2083180093, ClinGen allele CA382538453.

ClinVar aggregate classification (germline): Uncertain significance (1 of 4 stars; one submission).

Conditions:
Ataxia-telangiectasia syndrome (AT). Also called: Ataxia-telangiectasia, complementation group E; Cerebello-oculocutaneous telangiectasia; Immunodeficiency with ataxia telangiectasia; Ataxia-telangiectasia, complementation group D; AT, COMPLEMENTATION GROUP C; Ataxia-telangiectasia. Identifiers: Orphanet 100, MedGen C0004135, MONDO:0008840, OMIM 208900.

Submission:

Labcorp Genetics (formerly Invitae), Labcorp
Classification: Uncertain significance for Ataxia-telangiectasia syndrome. Last evaluated: 2022-10-17. Review status: criteria provided, single submitter. Criteria: Invitae Variant Classification Sherloc (09022015). Collection method: clinical testing. Allele origin: germline.
Comment: This sequence change replaces asparagine, which is neutral and polar, with isoleucine, which is neutral and non-polar, at codon 1660 of the ATM protein (p.Asn1660Ile). This variant is not present in population databases (gnomAD no frequency). This variant has not been reported in the literature in individuals affected with ATM-related conditions. ClinVar contains an entry for this variant (Variation ID: 849140). Algorithms developed to predict the effect of missense changes on protein structure and function are either unavailable or do not agree on the potential impact of this missense change (SIFT: "Deleterious"; PolyPhen-2: "Benign"; Align-GVGD: "Class C15"). In summary, the available evidence is currently insufficient to determine the role of this variant in disease. Therefore, it has been classified as a Variant of Uncertain Significance.